The following is an entry in ClinVar:

NM_001378454.1(ALMS1):c.68_69insAGAGGAGGAGGA (p.Glu25_Glu28dup)

Gene: ALMS1 (ALMS1 centrosome and basal body associated protein; plus strand). Cytogenetic location: 2p13.1.
Variant type: Microsatellite.
Coding change: c.68_69insAGAGGAGGAGGA on transcript NM_001378454.1 (MANE Select); coding-DNA positions 68 to 69, AGAGGAGGAGGA inserted.
Protein change: p.Glu25_Glu28dup.
Molecular consequence: inframe insertion.
Genome position: GRCh38 VCF-style: chr2-73385925-G-GGAGGAGGAGGAA. GRCh37 (hg19) VCF-style: chr2-73613053-G-GGAGGAGGAGGAA.
Other names: c.71_72insAGAGGAGGAGGA, p.Glu26_Glu29dup (NM_015120.4).
Identifiers: ClinVar variation 1505177 (VCV001505177.7), dbSNP rs2104057317.
Genomic context (GRCh38, chr2:73,385,925, plus strand): 5'-CAACATGGAGCCCGAGGATCTGCCATGGCCGGGCGAGCTGGAGGAGGAGGAGGAGGAGGA[G>GGAGGAGGAGGAA]GAGGAGGAGGAGGAGGAAGAGGAGGAGGCTGCAGCGGCGGCGGCGGCGAACGTGGACGAC-3'

ClinVar aggregate classification (germline): Uncertain significance (1 of 4 stars; one submission).

Conditions:
Alstrom syndrome (ALMS). Identifiers: Orphanet 64, MedGen C0268425, MONDO:0008763, OMIM 203800.

Submission:

Labcorp Genetics (formerly Invitae), Labcorp
Classification: Uncertain significance for Alstrom syndrome. Last evaluated: 2022-07-19. Review status: criteria provided, single submitter. Criteria: Invitae Variant Classification Sherloc (09022015). Collection method: clinical testing. Allele origin: germline.
Comment: In summary, the available evidence is currently insufficient to determine the role of this variant in disease. Therefore, it has been classified as a Variant of Uncertain Significance. Experimental studies and prediction algorithms are not available or were not evaluated, and the functional significance of this variant is currently unknown. ClinVar contains an entry for this variant (Variation ID: 1505177). This variant has not been reported in the literature in individuals affected with ALMS1-related conditions. This variant is not present in population databases (gnomAD no frequency). This variant, c.71_72insAGAGGAGGAGGA, results in the insertion of 4 amino acid(s) of the ALMS1 protein (p.Glu26_Glu29dup), but otherwise preserves the integrity of the reading frame.